The following is an entry in ClinVar:

NM_024753.5(TTC21B):c.3806-3C>T

Gene: TTC21B (tetratricopeptide repeat domain 21B; minus strand). Cytogenetic location: 2q24.3.
Variant type: single nucleotide variant.
Coding change: c.3806-3C>T on transcript NM_024753.5 (MANE Select); 3 bases into the intron before coding-DNA position 3806, C replaced by T.
Molecular consequence: intron variant.
Genome position (GRCh38, 1-based): chr2:165,876,235, G>A on the plus strand (C>T on the coding strand, the complement: TTC21B is on the minus strand). VCF-style: chr2-165876235-G-A. GRCh37 (hg19) VCF-style: chr2-166732745-G-A.
Identifiers: ClinVar variation 1492326 (VCV001492326.5), dbSNP rs764138635, ClinGen allele CA1941382.

ClinVar aggregate classification (germline): Uncertain significance (1 of 4 stars; one submission).

Conditions:
Nephronophthisis. Also called: Juvenile Nephronophthisis. Identifiers: Orphanet 655, MedGen C0687120, MONDO:0019005, HP:0000090.
Jeune thoracic dystrophy. Also called: Jeune syndrome; Infantile thoracic dystrophy; Thoracic pelvic phalangeal dystrophy; Jeune's syndrome; Chondroectodermal dysplasia-like syndrome; Short-rib thoracic dysplasia. Identifiers: Orphanet 474, MedGen C0265275, MONDO:0018770.

Allele frequency attached by ClinVar (database versions not stated): TOPMed below 0.00001; ExAC 0.00001; gnomAD exomes 0.00003.
gnomAD v4.1: 8 of 1,572,702 alleles (0.00051%); highest among the groups gnomAD compares: Admixed American, 0.013%; no homozygotes.

Submission:

Labcorp Genetics (formerly Invitae), Labcorp
Classification: Uncertain significance for Jeune thoracic dystrophy; Nephronophthisis. Last evaluated: 2024-02-17. Review status: criteria provided, single submitter. Criteria: Invitae Variant Classification Sherloc (09022015). Collection method: clinical testing. Allele origin: germline.
Comment: This sequence change falls in intron 27 of the TTC21B gene. It does not directly change the encoded amino acid sequence of the TTC21B protein. It affects a nucleotide within the consensus splice site. This variant is present in population databases (rs764138635, gnomAD 0.02%). This variant has not been reported in the literature in individuals affected with TTC21B-related conditions. ClinVar contains an entry for this variant (Variation ID: 1492326). Variants that disrupt the consensus splice site are a relatively common cause of aberrant splicing (PMID: 17576681, 9536098). Algorithms developed to predict the effect of sequence changes on RNA splicing suggest that this variant may disrupt the consensus splice site. In summary, the available evidence is currently insufficient to determine the role of this variant in disease. Therefore, it has been classified as a Variant of Uncertain Significance.

Literature cited by the submitters: PubMed 17576681; PubMed 9536098.